The following is an entry in ClinVar:

ClinVar aggregate classification (germline): Pathogenic/Likely pathogenic. Review status: criteria provided, multiple submitters, no conflicts (2 of 4 stars). 5 submissions from 5 submitters: Pathogenic (2); Likely pathogenic (3). Last evaluated 2025-08-04.

Conditions:
Sjögren-Larsson syndrome (SLS). Also called: ICHTHYOSIS, SPASTIC NEUROLOGIC DISORDER, AND OLIGOPHRENIA; FALDH DEFICIENCY; FATTY ALCOHOL:NAD+ OXIDOREDUCTASE DEFICIENCY; FATTY ALDEHYDE DEHYDROGENASE DEFICIENCY. Identifiers: Orphanet 816, MedGen C0037231, MONDO:0010031, OMIM 270200.

Allele frequency attached by ClinVar (database versions not stated): gnomAD exomes below 0.00001; ExAC 0.00001; gnomAD 0.00001; TOPMed 0.00002.
gnomAD v4.1: 8 of 1,614,024 alleles (0.0005%); highest among the groups gnomAD compares: East Asian, 0.0067%; no homozygotes.

Submissions (5):

Labcorp Genetics (formerly Invitae), Labcorp
Classification: Pathogenic. Last evaluated: 2025-08-04. Review status: criteria provided, single submitter. Criteria: Invitae Variant Classification Sherloc (09022015). Collection method: clinical testing. Allele origin: germline.
Comment: This sequence change replaces arginine, which is basic and polar, with histidine, which is basic and polar, at codon 423 of the ALDH3A2 protein (p.Arg423His). This variant is present in population databases (rs768290318, gnomAD 0.004%). This missense change has been observed in individual(s) with ALDH3A2-related conditions (PMID: 10577908, 15241804). ClinVar contains an entry for this variant (Variation ID: 1459314). Invitae Evidence Modeling of protein sequence and biophysical properties (such as structural, functional, and spatial information, amino acid conservation, physicochemical variation, residue mobility, and thermodynamic stability) indicates that this missense variant is expected to disrupt ALDH3A2 protein function with a positive predictive value of 80%. Experimental studies have shown that this missense change affects ALDH3A2 function (PMID: 10577908). For these reasons, this variant has been classified as Pathogenic.

GeneDx
Classification: Pathogenic. Last evaluated: 2024-12-25. Review status: criteria provided, single submitter. Criteria: GeneDx Variant Classification Process June 2021. Collection method: clinical testing. Allele origin: germline. Affected: yes.
Comment: Published functional studies demonstrate a damaging effect: R423H FALDH activity was 1% of wild-type (PMID: 10577908); Not observed at significant frequency in large population cohorts (gnomAD); In silico analysis supports that this missense variant has a deleterious effect on protein structure/function; This variant is associated with the following publications: (PMID: 25047030, 32085885, 32395410, 10577908, 11306053, 15241804, 33528536)

Natera, Inc.
Classification: Likely pathogenic for Sjögren-Larsson syndrome. Last evaluated: 2024-09-03. Review status: criteria provided, single submitter. Criteria: Natera Variant Classification Schema (03/2026). Collection method: clinical testing. Allele origin: germline.
Comment: The c.1268G>A variant in ALDH3A2 is a missense variant predicted to cause substitution of arginine to histidine at amino acid 423. This variant is rare in the general population with a frequency below the threshold expected for the associated phenotype(s). This variant has been observed in one or more individuals affected with the associated recessive disease, as either homozygous or compound heterozygous with a second variant (PMID: 15241804). Computational prediction algorithms indicate this variant is likely to affect gene or protein function. Given the available evidence, this variant is classified as Likely Pathogenic.

Fulgent Genetics
Classification: Likely pathogenic for Sjögren-Larsson syndrome. Last evaluated: 2024-02-17. Review status: criteria provided, single submitter. Criteria: ACMG Guidelines, 2015. Collection method: clinical testing. Allele origin: germline.

Women's Health and Genetics/Laboratory Corporation of America, LabCorp
Classification: Likely pathogenic for Sjögren-Larsson syndrome. Last evaluated: 2023-04-05. Review status: criteria provided, single submitter. Criteria: LabCorp Variant Classification Summary - May 2015. Collection method: clinical testing. Allele origin: germline.
Comment: Variant summary: ALDH3A2 c.1268G>A (p.Arg423His) results in a non-conservative amino acid change to a highly conserved residue (HGMD) in the dimerisation interface (Keller_2014) of the encoded protein sequence. Five of five in-silico tools predict a damaging effect of the variant on protein function. The variant allele was found at a frequency of 4e-06 in 251464 control chromosomes. c.1268G>A has been reported in the literature in individuals affected with Sjogren-Larsson Syndrome (Rizzo_1999, Carney_2004), and one of these was reported as compound heterozygous with a pathogenic variant. These data indicate that the variant is likely associated with disease. At least one publication reports experimental evidence evaluating an impact on protein function, resulting in 1% of normal FALDH enzymatic activity (Rizzo_1999). One submitter has provided clinical-significance assessments for this variant to ClinVar after 2014 without evidence for independent evaluation, and classified the variant as pathogenic. Based on the evidence outlined above, the variant was classified as likely pathogenic.

Literature cited by the submitters: PubMed 10577908 (cited by Labcorp Genetics (formerly Invitae), Labcorp and Women's Health and Genetics/Laboratory Corporation of America, LabCorp); PubMed 15241804 (cited by 3 submitters); PubMed 25047030 (cited by Women's Health and Genetics/Laboratory Corporation of America, LabCorp).

NM_000382.3(ALDH3A2):c.1268G>A (p.Arg423His)

Gene: ALDH3A2 (aldehyde dehydrogenase 3 family member A2; plus strand). Cytogenetic location: 17p11.2.
Variant type: single nucleotide variant.
Coding change: c.1268G>A on transcript NM_000382.3 (MANE Select); coding-DNA position 1268, G replaced by A.
Protein change: p.Arg423His; replaces arginine 423 with histidine.
Molecular consequence: missense variant. On other transcripts: intron variant (1).
Genome position (GRCh38, 1-based): chr17:19,671,781, G>A. VCF-style: chr17-19671781-G-A. GRCh37 (hg19) VCF-style: chr17-19575094-G-A.
Other names: c.1268G>A (NM_000382.2); c.1268G>A, p.Arg423His (NM_001031806.2, NM_001369136.1, NM_001369137.2 and 2 more transcripts); c.689G>A, p.Arg230His (NM_001369148.2); c.1208-3777G>A (NM_001369146.2); short protein forms R230H, R423H.
Identifiers: ClinVar variation 1459314 (VCV001459314.12), dbSNP rs768290318, ClinGen allele CA8443057.
Genomic context (GRCh38, chr17:19,671,781, plus strand): 5'-GTTCCAGTGGGATGGGAGCTTATCACGGAAAACATAGTTTTGATACTTTTTCTCATCAGC[G>A]TCCCTGTTTATTAAAAAGTTTAAAGAGAGAAGGTGCTAACAAACTCAGATATCCTCCCAA-3'
Protein context (NP_000373.1, residues 413-433): KHSFDTFSHQ[Arg423His]PCLLKSLKRE